The following is an entry in ClinVar:

ClinVar aggregate classification (germline): Uncertain significance. Review status: criteria provided, multiple submitters, no conflicts (2 of 4 stars). 2 submissions from 2 submitters: Uncertain significance (2). Last evaluated 2025-07-07.

Conditions:
TMEM67-related disorder. Also called: TMEM67-related disorders; TMEM67-related condition. Identifiers: MedGen CN239423.
Meckel-Gruber syndrome. Also called: DYSENCEPHALIA SPLANCHNOCYSTICA; GRUBER SYNDROME; Dysencephalia splachnocystica. Identifiers: Orphanet 564, MedGen C0265215, MONDO:0018921.
Joubert syndrome. Also called: JOUBERT-BOLTSHAUSER SYNDROME; Familial aplasia of the vermis. Identifiers: Orphanet 475, MedGen C5979921, MONDO:0018772.

Allele frequency attached by ClinVar (database versions not stated): ExAC 0.00001.
gnomAD v4.1: 49 of 1,612,934 alleles (0.003%); highest among the groups gnomAD compares: Non-Finnish European, 0.0039%; no homozygotes.

Submissions (2):

Labcorp Genetics (formerly Invitae), Labcorp
Classification: Uncertain significance for Joubert syndrome; Meckel-Gruber syndrome. Last evaluated: 2025-07-07. Review status: criteria provided, single submitter. Criteria: Invitae Variant Classification Sherloc (09022015). Collection method: clinical testing. Allele origin: germline.
Comment: This sequence change replaces valine, which is neutral and non-polar, with isoleucine, which is neutral and non-polar, at codon 648 of the TMEM67 protein (p.Val648Ile). The frequency data for this variant in the population databases is considered unreliable, as metrics indicate poor data quality at this position in the gnomAD database. This variant has not been reported in the literature in individuals affected with TMEM67-related conditions. ClinVar contains an entry for this variant (Variation ID: 1410389). Invitae Evidence Modeling of protein sequence and biophysical properties (such as structural, functional, and spatial information, amino acid conservation, physicochemical variation, residue mobility, and thermodynamic stability) indicates that this missense variant is expected to disrupt TMEM67 protein function with a positive predictive value of 80%. In summary, the available evidence is currently insufficient to determine the role of this variant in disease. Therefore, it has been classified as a Variant of Uncertain Significance.

PreventionGenetics, part of Exact Sciences
Classification: Uncertain significance for TMEM67-related condition. Last evaluated: 2025-04-29. Review status: criteria provided, single submitter. Criteria: ACMG Guidelines, 2015. Collection method: clinical testing. Allele origin: germline.
Comment: The TMEM67 c.1942G>A variant is predicted to result in the amino acid substitution p.Val648Ile. To our knowledge, this variant has not been reported in the literature. This variant is reported in 0.0039% of alleles in individuals of European (Non-Finnish) descent in gnomAD. At this time, the clinical significance of this variant is uncertain due to the absence of conclusive functional and genetic evidence.

NM_153704.6(TMEM67):c.1942G>A (p.Val648Ile)

Gene: TMEM67 (transmembrane protein 67; plus strand). Cytogenetic location: 8q22.1.
Variant type: single nucleotide variant.
Coding change: c.1942G>A on transcript NM_153704.6 (MANE Select); coding-DNA position 1942, G replaced by A.
Protein change: p.Val648Ile; replaces valine 648 with isoleucine.
Molecular consequence: missense variant. On other transcripts: non-coding transcript variant (1).
Genome position (GRCh38, 1-based): chr8:93,797,215, G>A. VCF-style: chr8-93797215-G-A. GRCh37 (hg19) VCF-style: chr8-94809443-G-A.
Other names: c.1699G>A, p.Val567Ile (NM_001142301.1); c.1942G>A (NM_153704.5); short protein forms V567I, V648I.
Identifiers: ClinVar variation 1410389 (VCV001410389.7), dbSNP rs764882441, ClinGen allele CA4808157.